The following is an entry in ClinVar:

ClinVar aggregate classification (germline): Likely benign. Review status: criteria provided, multiple submitters, no conflicts (2 of 4 stars). 5 submissions from 5 submitters: Likely benign (5). Last evaluated 2025-09-28.

Allele frequency attached by ClinVar (database versions not stated): gnomAD exomes 0.00004 and 0.00015; ExAC 0.00016; ESP Exome Variant Server 0.00017; gnomAD 0.00042 and 0.00043; TOPMed 0.00048; 1000 Genomes Project 0.00060; 1000 Genomes Project 30x 0.00094.
gnomAD v4.1: 130 of 1,595,870 alleles (0.0081%); highest among the groups gnomAD compares: African/African-American, 0.13%; no homozygotes.

Submissions (5):

Labcorp Genetics (formerly Invitae), Labcorp
Classification: Likely benign. Last evaluated: 2025-09-28. Review status: criteria provided, single submitter. Criteria: Invitae Variant Classification Sherloc (09022015). Collection method: clinical testing. Allele origin: germline.

Blueprint Genetics
Classification: Likely benign. Last evaluated: 2024-08-15. Review status: criteria provided, single submitter. Criteria: ACMG Guidelines, 2015. Collection method: clinical testing. Allele origin: germline.

GeneDx
Classification: Likely benign. Last evaluated: 2021-01-26. Review status: criteria provided, single submitter. Criteria: GeneDx Variant Classification Process June 2021. Collection method: clinical testing. Allele origin: germline. Affected: yes.

Laboratory for Molecular Medicine, Mass General Brigham Personalized Medicine
Classification: Likely benign. Last evaluated: 2017-12-21. Review status: criteria provided, single submitter. Criteria: LMM Criteria. Collection method: clinical testing. Allele origin: germline. Observed: 1 variant allele.
Comment: p.Gln255Gln in exon 8 of OTOGL: This variant is not expected to have clinical si gnificance because it does not alter an amino acid residue and is not located wi thin the splice consensus sequence. It has been identified in 0.14% (35/23698) o f African American chromosomes by the Genome Aggregation Database (gnomAD; dbSNP rs144176460). ACMG/AMP criteria: BP7.

Breakthrough Genomics
Classification: Likely benign. Review status: criteria provided, single submitter. Criteria: ACMG Guidelines, 2015. Collection method: not provided. Allele origin: germline. Inheritance: Autosomal recessive inheritance. Affected: yes.

NM_001378609.3(OTOGL):c.792A>G (p.Gln264=)

Gene: OTOGL (otogelin like; plus strand). Cytogenetic location: 12q21.31.
Variant type: single nucleotide variant.
Coding change: c.792A>G on transcript NM_001378609.3 (MANE Select); coding-DNA position 792, A replaced by G.
Protein change: p.Gln264=; no amino-acid change (glutamine 264 retained).
Molecular consequence: synonymous variant.
Genome position (GRCh38, 1-based): chr12:80,233,072, A>G. VCF-style: chr12-80233072-A-G. GRCh37 (hg19) VCF-style: chr12-80626852-A-G.
Other names: c.792A>G, p.Gln264= (NM_001368062.3, NM_001378610.3, NM_173591.7).
Identifiers: ClinVar variation 504791 (VCV000504791.15), dbSNP rs144176460, ClinGen allele CA6700259.